The following is an entry in ClinVar:

ClinVar aggregate classification (germline): Uncertain significance (1 of 4 stars; one submission).

Submission:

GeneDx
Classification: Uncertain significance. Last evaluated: 2025-02-06. Review status: criteria provided, single submitter. Criteria: GeneDx Variant Classification Process June 2021. Collection method: clinical testing. Allele origin: germline. Affected: yes.
Comment: Not observed at significant frequency in large population cohorts (gnomAD); In silico analysis indicates that this missense variant does not alter protein structure/function; Has not been previously published as pathogenic or benign to our knowledge

NM_032217.5(ANKRD17):c.6959C>T (p.Ser2320Leu)

Gene: ANKRD17 (ankyrin repeat domain 17; minus strand). Cytogenetic location: 4q13.3.
Variant type: single nucleotide variant.
Coding change: c.6959C>T on transcript NM_032217.5 (MANE Select); coding-DNA position 6959, C replaced by T.
Protein change: p.Ser2320Leu; replaces serine 2320 with leucine.
Molecular consequence: missense variant.
Genome position (GRCh38, 1-based): chr4:73,090,669, G>A on the plus strand (C>T on the coding strand, the complement: ANKRD17 is on the minus strand). VCF-style: chr4-73090669-G-A. GRCh37 (hg19) VCF-style: chr4-73956386-G-A.
Other names: c.6620C>T, p.Ser2207Leu (NM_001286771.3); c.6956C>T, p.Ser2319Leu (NM_015574.2); c.6206C>T, p.Ser2069Leu (NM_198889.3); short protein forms S2069L, S2207L, S2319L, S2320L.
Identifiers: ClinVar variation 4074437 (VCV004074437.1).